The following is an entry in ClinVar:

NM_004525.3(LRP2):c.5785G>A (p.Glu1929Lys)

Gene: LRP2 (LDL receptor related protein 2; minus strand). Cytogenetic location: 2q31.1.
Variant type: single nucleotide variant.
Coding change: c.5785G>A on transcript NM_004525.3 (MANE Select); coding-DNA position 5785, G replaced by A.
Protein change: p.Glu1929Lys; replaces glutamic acid 1929 with lysine.
Molecular consequence: missense variant.
Genome position (GRCh38, 1-based): chr2:169,216,294, C>T on the plus strand (G>A on the coding strand, the complement: LRP2 is on the minus strand). VCF-style: chr2-169216294-C-T. GRCh37 (hg19) VCF-style: chr2-170072804-C-T.
Other names: short protein forms E1929K.
Identifiers: ClinVar variation 1476572 (VCV001476572.5), dbSNP rs201170625, ClinGen allele CA59902674.

ClinVar aggregate classification (germline): Uncertain significance (1 of 4 stars; one submission).

Allele frequency attached by ClinVar (database versions not stated): gnomAD exomes below 0.00001 and 0.00001.
gnomAD v4.1: 17 of 1,613,556 alleles (0.0011%); highest among the groups gnomAD compares: South Asian, 0.0033%; no homozygotes.

Submission:

Labcorp Genetics (formerly Invitae), Labcorp
Classification: Uncertain significance. Last evaluated: 2021-08-31. Review status: criteria provided, single submitter. Criteria: Invitae Variant Classification Sherloc (09022015). Collection method: clinical testing. Allele origin: germline.
Comment: This sequence change replaces glutamic acid with lysine at codon 1929 of the LRP2 protein (p.Glu1929Lys). The glutamic acid residue is weakly conserved and there is a small physicochemical difference between glutamic acid and lysine. This variant is not present in population databases (ExAC no frequency). This variant has not been reported in the literature in individuals affected with LRP2-related conditions. Advanced modeling of protein sequence and biophysical properties (such as structural, functional, and spatial information, amino acid conservation, physicochemical variation, residue mobility, and thermodynamic stability) performed at Invitae indicates that this missense variant is not expected to disrupt LRP2 protein function. In summary, the available evidence is currently insufficient to determine the role of this variant in disease. Therefore, it has been classified as a Variant of Uncertain Significance.